The following is an entry in ClinVar:

NM_152564.5(VPS13B):c.2273C>T (p.Pro758Leu)

Gene: VPS13B (vacuolar protein sorting 13 homolog B; plus strand). Cytogenetic location: 8q22.2.
Variant type: single nucleotide variant.
Coding change: c.2273C>T on transcript NM_152564.5 (MANE Select); coding-DNA position 2273, C replaced by T.
Protein change: p.Pro758Leu; replaces proline 758 with leucine.
Molecular consequence: missense variant.
Genome position (GRCh38, 1-based): chr8:99,170,103, C>T. VCF-style: chr8-99170103-C-T. GRCh37 (hg19) VCF-style: chr8-100182331-C-T.
Other names: c.2273C>T, p.Pro758Leu (NM_015243.3, NM_017890.5); short protein forms P758L.
Identifiers: ClinVar variation 4984293 (VCV004984293.1).
Genomic context (GRCh38, chr8:99,170,103, plus strand): 5'-TTGGTTTCCAGGCAGGACTGACGTCTTTGGATTGCAGTGGATCTTACTGCTTACCTGTAC[C>T]AGTTATTCCCTCTTTCAGCACTGCTCTTTATGGGAAACTTCTGAAACTCCCCACATGCTG-3'
Protein context (NP_689777.3, residues 748-768): DCSGSYCLPV[Pro758Leu]VIPSFSTALY

ClinVar aggregate classification (germline): Uncertain significance (1 of 4 stars; one submission).

Conditions:
VPS13B-related disorder. Also called: VPS13B-related condition.

gnomAD v4.1: 14 of 1,612,962 alleles (0.00087%); highest among the groups gnomAD compares: Middle Eastern, 0.23%; 1 homozygote.

Submission:

PreventionGenetics, part of Exact Sciences
Classification: Uncertain significance for VPS13B-related condition. Last evaluated: 2025-11-06. Review status: criteria provided, single submitter. Criteria: ACMG Guidelines, 2015. Collection method: clinical testing. Allele origin: germline.
Comment: The VPS13B c.2273C>T variant is predicted to result in the amino acid substitution p.Pro758Leu. To our knowledge, this variant has not been reported in the literature or in a large population database (gnomAD), indicating this variant is rare. At this time, the clinical significance of this variant is uncertain due to the absence of conclusive functional and genetic evidence.